The following is an entry in ClinVar:

ClinVar aggregate classification (germline): Likely pathogenic (1 of 4 stars; one submission).

Conditions:
Dilated cardiomyopathy 1G (CMD1G). Identifiers: Orphanet 154, MedGen C1858763, MONDO:0011400, OMIM 604145.
Autosomal recessive limb-girdle muscular dystrophy type 2J (LGMDR10). Also called: Limb-girdle muscular dystrophy, type 2J; MUSCULAR DYSTROPHY, LIMB-GIRDLE, AUTOSOMAL RECESSIVE 10. Identifiers: Orphanet 140922, MedGen C1837342, MONDO:0012127, OMIM 608807.

Submission:

Labcorp Genetics (formerly Invitae), Labcorp
Classification: Likely pathogenic for Dilated cardiomyopathy 1G; Autosomal recessive limb-girdle muscular dystrophy type 2J. Last evaluated: 2022-05-14. Review status: criteria provided, single submitter. Criteria: Invitae Variant Classification Sherloc (09022015). Collection method: clinical testing. Allele origin: germline.
Comment: In summary, the currently available evidence indicates that the variant is pathogenic, but additional data are needed to prove that conclusively. Therefore, this variant has been classified as Likely Pathogenic. This variant is located in the A band of TTN (PMID: 25589632). Truncating variants in this region are significantly overrepresented in patients affected with dilated cardiomyopathy (PMID: 25589632). Truncating variants in this region have also been reported in individuals affected with autosomal recessive centronuclear myopathy (PMID: 23975875). This variant has not been reported in the literature in individuals affected with TTN-related conditions. This variant is not present in population databases (gnomAD no frequency). This sequence change creates a premature translational stop signal (p.Glu30197Glyfs*11) in the TTN gene. While this is not anticipated to result in nonsense mediated decay, it is expected to create a truncated TTN protein.

Literature cited by the submitters: PubMed 25589632; PubMed 23975875.

NM_001267550.2(TTN):c.90587dup (p.Glu30197fs)

Genes: TTN (titin; minus strand), TTN-AS1 (TTN antisense RNA 1; plus strand). Cytogenetic location: 2q31.2.
Variant type: Duplication.
Coding change: c.90587dup on transcript NM_001267550.2 (MANE Select); coding-DNA position 90587, one base duplicated (A; older notation c.90587dupA).
Protein change: p.Glu30197fs; shifts the reading frame from glutamic acid 30197.
Molecular consequence: frameshift variant.
Genome position (GRCh38, 1-based): chr2:178,552,313, T duplicated on the plus strand (A on the coding strand, the reverse complement: TTN is on the minus strand); the first of 2 consecutive T bases (chr2:178,552,313-178,552,314); duplicating either gives the same sequence. VCF-style (leftmost placement, unchanged base first): chr2-178552312-C-CT. GRCh37 (hg19) VCF-style: chr2-179417039-C-CT.
Other names: c.85664dup, p.Glu28556fs (NM_001256850.1); c.63392dup, p.Glu21132fs (NM_003319.4); c.82883dup, p.Glu27629fs (NM_133378.4); c.63767dup, p.Glu21257fs (NM_133432.3); c.63968dup, p.Glu21324fs (NM_133437.4); short protein forms E21132fs, E21257fs, E28556fs, E30197fs, E21324fs, E27629fs.
Identifiers: ClinVar variation 1994270 (VCV001994270.4), dbSNP rs397517749, ClinGen allele CA2580064580.
Genomic context (GRCh38, chr2:178,552,312, plus strand): 5'-GGGGACTGCAATTCTACACACTGCATTATCAAGAATAACAGTGTATTTTCCTCCATGCTC[C>CT]TTCTTGGCATTCTTAATACTCAAAGTAATTTTGTTTTCAGTTTTACTGAAGCGAACAAAT-3'